The following is an entry in ClinVar:

ClinVar aggregate classification (germline): Uncertain significance. Review status: criteria provided, multiple submitters, no conflicts (2 of 4 stars). 2 submissions from 2 submitters: Uncertain significance (2). Last evaluated 2026-08-05.

Conditions:
Microcephalic osteodysplastic primordial dwarfism type II (MOPD2). Also called: Microcephalic osteodysplastic primordial dwarfism with tooth abnormalities; MOPD II; OSTEODYSPLASTIC PRIMORDIAL DWARFISM, TYPE II. Identifiers: Orphanet 2637, MedGen C0432246, MONDO:0008872, OMIM 210720.
PCNT-related disorder. Also called: PCNT-related condition.

gnomAD v4.1: 18 of 1,612,896 alleles (0.0011%); highest among the groups gnomAD compares: Admixed American, 0.012%; no homozygotes.

Submissions (2):

PreventionGenetics, part of Exact Sciences
Classification: Uncertain significance for PCNT-related condition. Last evaluated: 2026-08-05. Review status: criteria provided, single submitter. Criteria: ACMG Guidelines, 2015. Collection method: clinical testing. Allele origin: germline.
Comment: The PCNT c.3145G>A variant is predicted to result in the amino acid substitution p.Glu1049Lys. To our knowledge, this variant has not been reported in the literature. This variant is reported in 0.0085% of alleles in individuals of Latino descent in gnomAD. At this time, the clinical significance of this variant is uncertain due to the absence of conclusive functional and genetic evidence.

Fulgent Genetics
Classification: Uncertain significance for Microcephalic osteodysplastic primordial dwarfism type II. Last evaluated: 2024-03-12. Review status: criteria provided, single submitter. Criteria: ACMG Guidelines, 2015. Collection method: clinical testing. Allele origin: germline.

NM_006031.6(PCNT):c.3145G>A (p.Glu1049Lys)

Gene: PCNT (pericentrin; plus strand). Cytogenetic location: 21q22.3.
Variant type: single nucleotide variant.
Coding change: c.3145G>A on transcript NM_006031.6 (MANE Select); coding-DNA position 3145, G replaced by A.
Protein change: p.Glu1049Lys; replaces glutamic acid 1049 with lysine.
Molecular consequence: missense variant.
Genome position (GRCh38, 1-based): chr21:46,367,119, G>A. VCF-style: chr21-46367119-G-A. GRCh37 (hg19) VCF-style: chr21-47787034-G-A.
Other names: c.2791G>A, p.Glu931Lys (NM_001315529.2); short protein forms E1049K, E931K.
Identifiers: ClinVar variation 3358591 (VCV003358591.3).